The following is an entry in ClinVar:

ClinVar aggregate classification (germline): Uncertain significance. Review status: criteria provided, multiple submitters, no conflicts (2 of 4 stars). 2 submissions from 2 submitters: Uncertain significance (2). Last evaluated 2024-05-08.

Submissions (2):

Labcorp Genetics (formerly Invitae), Labcorp
Classification: Uncertain significance. Last evaluated: 2024-05-08. Review status: criteria provided, single submitter. Criteria: Invitae Variant Classification Sherloc (09022015). Collection method: clinical testing. Allele origin: germline.
Comment: This sequence change replaces glycine, which is neutral and non-polar, with aspartic acid, which is acidic and polar, at codon 460 of the A2ML1 protein (p.Gly460Asp). This variant is not present in population databases (gnomAD no frequency). This variant has not been reported in the literature in individuals affected with A2ML1-related conditions. ClinVar contains an entry for this variant (Variation ID: 1771236). Algorithms developed to predict the effect of missense changes on protein structure and function output the following: SIFT: "Not Available"; PolyPhen-2: "Benign"; Align-GVGD: "Not Available". The aspartic acid amino acid residue is found in multiple mammalian species, which suggests that this missense change does not adversely affect protein function. In summary, the available evidence is currently insufficient to determine the role of this variant in disease. Therefore, it has been classified as a Variant of Uncertain Significance.

Ambry Genetics
Classification: Uncertain significance. Last evaluated: 2022-10-03. Review status: criteria provided, single submitter. Criteria: Ambry Variant Classification Scheme 2023. Collection method: clinical testing. Allele origin: germline.
Comment: The p.G460D variant (also known as c.1379G>A), located in coding exon 12 of the A2ML1 gene, results from a G to A substitution at nucleotide position 1379. The glycine at codon 460 is replaced by aspartic acid, an amino acid with similar properties. This amino acid position is conserved. In addition, this alteration is predicted to be tolerated by in silico analysis. Since supporting evidence is limited at this time, the clinical significance of this alteration remains unclear.

NM_144670.6(A2ML1):c.1379G>A (p.Gly460Asp)

Gene: A2ML1 (alpha-2-macroglobulin like 1; plus strand). Cytogenetic location: 12p13.31.
Variant type: single nucleotide variant.
Coding change: c.1379G>A on transcript NM_144670.6 (MANE Select); coding-DNA position 1379, G replaced by A.
Protein change: p.Gly460Asp; replaces glycine 460 with aspartic acid.
Molecular consequence: missense variant.
Genome position (GRCh38, 1-based): chr12:8,843,264, G>A. VCF-style: chr12-8843264-G-A. GRCh37 (hg19) VCF-style: chr12-8995860-G-A.
Other names: short protein forms G460D.
Identifiers: ClinVar variation 1771236 (VCV001771236.4), dbSNP rs2539225766, ClinGen allele CA383825100.